The following is an entry in ClinVar:

NM_000218.3(KCNQ1):c.1340C>A (p.Pro447His)

Gene: KCNQ1 (potassium voltage-gated channel subfamily Q member 1; plus strand). Cytogenetic location: 11p15.5.
Variant type: single nucleotide variant.
Coding change: c.1340C>A on transcript NM_000218.3 (MANE Select); coding-DNA position 1340, C replaced by A.
Protein change: p.Pro447His; replaces proline 447 with histidine.
Molecular consequence: missense variant.
Genome position (GRCh38, 1-based): chr11:2,588,801, C>A. VCF-style: chr11-2588801-C-A. GRCh37 (hg19) VCF-style: chr11-2610031-C-A.
Other names: c.1244C>A, p.Pro415His (NM_001406836.1); c.1070C>A, p.Pro357His (NM_001406837.1); c.800C>A, p.Pro267His (NM_001406838.1); c.959C>A, p.Pro320His (NM_181798.2); short protein forms P320H, P447H, P357H, P415H, P267H.
Identifiers: ClinVar variation 264157 (VCV000264157.15), dbSNP rs143149582, ClinGen allele CA028729.

ClinVar aggregate classification (germline): Conflicting classifications of pathogenicity. Review status: criteria provided, conflicting classifications (1 of 4 stars). 3 submissions from 3 submitters: Uncertain significance (2); Likely benign (1). Last evaluated 2025-08-10.

Conditions:
Cardiovascular phenotype. Identifiers: MedGen CN230736.
Cardiac arrhythmia. Also called: Arrhythmia; Cardiac rhythm disease. Identifiers: MedGen C0003811, MONDO:0007263, HP:0011675.
Long QT syndrome (LQTS). Identifiers: MedGen C0023976, MeSH D008133, MONDO:0002442. Disease mechanism: loss of function. Inheritance: Various modes of inheritance.

Allele frequency attached by ClinVar (database versions not stated): gnomAD exomes below 0.00001; ExAC 0.00001; ESP Exome Variant Server 0.00008.

Submissions (3):

Labcorp Genetics (formerly Invitae), Labcorp
Classification: Likely benign for Long QT syndrome. Last evaluated: 2025-08-10. Review status: criteria provided, single submitter. Criteria: Invitae Variant Classification Sherloc (09022015). Collection method: clinical testing. Allele origin: germline.

Color Diagnostics, LLC DBA Color Health
Classification: Uncertain significance for Cardiac arrhythmia. Last evaluated: 2024-12-11. Review status: criteria provided, single submitter. Criteria: ACMG Guidelines, 2015. Collection method: clinical testing. Allele origin: germline.
Comment: This missense variant replaces proline with histidine at codon 447 of the KCNQ1 protein. Computational prediction is inconclusive regarding the impact of this variant on protein structure and function. To our knowledge, functional studies have not been reported for this variant. This variant has not been reported in individuals affected with cardiovascular disorders in the literature. This variant has not been identified in the general population by the Genome Aggregation Database (gnomAD). The available evidence is insufficient to determine the role of this variant in disease conclusively. Therefore, this variant is classified as a Variant of Uncertain Significance.

Ambry Genetics
Classification: Uncertain significance for Cardiovascular phenotype. Last evaluated: 2021-01-04. Review status: criteria provided, single submitter. Criteria: Ambry Variant Classification Scheme 2023. Collection method: clinical testing. Allele origin: germline.
Comment: The p.P447H variant (also known as c.1340C>A), located in coding exon 10 of the KCNQ1 gene, results from a C to A substitution at nucleotide position 1340. The proline at codon 447 is replaced by histidine, an amino acid with some similar properties, and is located in the C-terminal region of the protein. This amino acid position is not well conserved in available vertebrate species, and histidine is the reference amino acid in two species. In addition, the in silico prediction for this alteration is inconclusive. Since supporting evidence is limited at this time, the clinical significance of this variant remains unclear.